The following is an entry in ClinVar:

ClinVar aggregate classification (germline): Uncertain significance (1 of 4 stars; one submission).

gnomAD v4.1: 2 of 1,613,972 alleles (0.00012%); highest among the groups gnomAD compares: Non-Finnish European, 0.00017%; no homozygotes.

Submission:

Ambry Genetics
Classification: Uncertain significance. Last evaluated: 2026-02-24. Review status: criteria provided, single submitter. Criteria: Ambry Variant Classification Scheme 2023. Collection method: clinical testing. Allele origin: germline.
Comment: The p.R378L variant (also known as c.1133G>T), located in coding exon 2 of the CDK12 gene, results from a G to T substitution at nucleotide position 1133. The arginine at codon 378 is replaced by leucine, an amino acid with dissimilar properties. This amino acid position is conserved. In addition, the in silico prediction for this alteration is inconclusive. Based on the available evidence, the clinical significance of this variant remains unclear.

NM_016507.4(CDK12):c.1133G>T (p.Arg378Leu)

Gene: CDK12 (cyclin dependent kinase 12; plus strand). Cytogenetic location: 17q12.
Variant type: single nucleotide variant.
Coding change: c.1133G>T on transcript NM_016507.4 (MANE Select); coding-DNA position 1133, G replaced by T.
Protein change: p.Arg378Leu; replaces arginine 378 with leucine.
Molecular consequence: missense variant.
Genome position (GRCh38, 1-based): chr17:39,470,965, G>T. VCF-style: chr17-39470965-G-T. GRCh37 (hg19) VCF-style: chr17-37627218-G-T.
Other names: c.1133G>T, p.Arg378Leu (NM_015083.4); short protein forms R378L.
Identifiers: ClinVar variation 4825936 (VCV004825936.1).